The following is an entry in ClinVar:

ClinVar aggregate classification (germline): Uncertain significance (1 of 4 stars; one submission).

Submission:

Labcorp Genetics (formerly Invitae), Labcorp
Classification: Uncertain significance. Last evaluated: 2024-11-26. Review status: criteria provided, single submitter. Criteria: Invitae Variant Classification Sherloc (09022015). Collection method: clinical testing. Allele origin: germline.
Comment: This variant, c.1152_1157del, results in the deletion of 2 amino acid(s) of the TAOK2 protein (p.Glu391_Glu392del), but otherwise preserves the integrity of the reading frame. The frequency data for this variant in the population databases is considered unreliable, as metrics indicate poor data quality at this position in the gnomAD database. This variant has not been reported in the literature in individuals affected with TAOK2-related conditions. Experimental studies and prediction algorithms are not available or were not evaluated, and the functional significance of this variant is currently unknown. In summary, the available evidence is currently insufficient to determine the role of this variant in disease. Therefore, it has been classified as a Variant of Uncertain Significance.

NM_016151.4(TAOK2):c.1140GGA[4] (p.Glu391_Glu392del)

Gene: TAOK2 (TAO kinase 2; plus strand). Cytogenetic location: 16p11.2.
Variant type: Microsatellite.
Coding change: c.1140GGA[4] on transcript NM_016151.4 (MANE Select); four copies in a row of the 3-base unit GGA starting at c.1140; the reference has six copies in a row; two copies, 6 bases deleted.
Protein change: p.Glu391_Glu392del.
Molecular consequence: inframe deletion.
Genome position (GRCh38, 1-based): chr16:29,983,224-29,983,229, GGAGGA deleted; deleting any 6 consecutive bases within chr16:29,983,210-29,983,229 gives the same sequence; the position shown is the placement nearest the transcript's 3' end. VCF-style (leftmost placement, unchanged base first): chr16-29983209-AGAGGAG-A. GRCh37 (hg19) VCF-style: chr16-29994530-AGAGGAG-A.
Other names: c.1140GGA[4], p.Glu391_Glu392del (NM_001252043.2, NM_004783.4).
Identifiers: ClinVar variation 3611758 (VCV003611758.2).